The following is an entry in ClinVar:

NM_017999.5(RNF31):c.2035G>C (p.Val679Leu)

Gene: RNF31 (ring finger protein 31; plus strand). Cytogenetic location: 14q12.
Variant type: single nucleotide variant.
Coding change: c.2035G>C on transcript NM_017999.5 (MANE Select); coding-DNA position 2035, G replaced by C.
Protein change: p.Val679Leu; replaces valine 679 with leucine.
Molecular consequence: missense variant.
Genome position (GRCh38, 1-based): chr14:24,151,897, G>C. VCF-style: chr14-24151897-G-C. GRCh37 (hg19) VCF-style: chr14-24621106-G-C.
Other names: c.1582G>C, p.Val528Leu (NM_001310332.2); short protein forms V528L, V679L.
Identifiers: ClinVar variation 3657479 (VCV003657479.3).
Genomic context (GRCh38, chr14:24,151,897, plus strand): 5'-GCAGAGCTGGCACTGTCACTGCTGCAGGAGACACCCAGGAACTATGAGTTGGGGGATGTG[G>C]TAGAAGCTGTGAGGCACAGCCAGGACCGGGCCTTCCTGCGCCGCTTGCTTGCCCAGGAGT-3'
Protein context (NP_060469.4, residues 669-689): TPRNYELGDV[Val679Leu]EAVRHSQDRA

ClinVar aggregate classification (germline): Uncertain significance. Review status: criteria provided, multiple submitters, no conflicts (2 of 4 stars). 2 submissions from 2 submitters: Uncertain significance (2). Last evaluated 2024-11-29.

gnomAD v4.1: 4 of 1,614,222 alleles (0.00025%); highest among the groups gnomAD compares: Non-Finnish European, 0.00034%; no homozygotes.

Submissions (2):

Labcorp Genetics (formerly Invitae), Labcorp
Classification: Uncertain significance. Last evaluated: 2024-11-29. Review status: criteria provided, single submitter. Criteria: Invitae Variant Classification Sherloc (09022015). Collection method: clinical testing. Allele origin: germline.
Comment: This sequence change replaces valine, which is neutral and non-polar, with leucine, which is neutral and non-polar, at codon 679 of the RNF31 protein (p.Val679Leu). This variant is present in population databases (rs765397489, gnomAD 0.0009%). This variant has not been reported in the literature in individuals affected with RNF31-related conditions. An algorithm developed to predict the effect of missense changes on protein structure and function (PolyPhen-2) suggests that this variant is likely to be tolerated. In summary, the available evidence is currently insufficient to determine the role of this variant in disease. Therefore, it has been classified as a Variant of Uncertain Significance.

Blueprint Genetics
Classification: Uncertain significance. Last evaluated: 2022-09-12. Review status: criteria provided, single submitter. Criteria: ACMG Guidelines, 2015. Collection method: clinical testing. Allele origin: germline.